The following is an entry in ClinVar:

ClinVar aggregate classification (germline): Uncertain significance. Review status: criteria provided, multiple submitters, no conflicts (2 of 4 stars). 2 submissions from 2 submitters: Uncertain significance (2). Last evaluated 2022-03-05.

Allele frequency attached by ClinVar (database versions not stated): ExAC 0.00001.
gnomAD v4.1: 3 of 1,553,626 alleles (0.00019%); highest among the groups gnomAD compares: Admixed American, 0.005%; no homozygotes.

Submissions (2):

Labcorp Genetics (formerly Invitae), Labcorp
Classification: Uncertain significance. Last evaluated: 2022-03-05. Review status: criteria provided, single submitter. Criteria: Invitae Variant Classification Sherloc (09022015). Collection method: clinical testing. Allele origin: germline.
Comment: In summary, the available evidence is currently insufficient to determine the role of this variant in disease. Therefore, it has been classified as a Variant of Uncertain Significance. Algorithms developed to predict the effect of sequence changes on RNA splicing suggest that this variant may disrupt the consensus splice site. Algorithms developed to predict the effect of missense changes on protein structure and function (SIFT, PolyPhen-2, Align-GVGD) all suggest that this variant is likely to be tolerated. This variant has not been reported in the literature in individuals affected with PCDH15-related conditions. This variant is present in population databases (rs757898459, gnomAD 0.009%). This sequence change replaces glutamine, which is neutral and polar, with histidine, which is basic and polar, at codon 1401 of the PCDH15 protein (p.Gln1401His).

Blueprint Genetics
Classification: Uncertain significance. Last evaluated: 2021-05-28. Review status: criteria provided, single submitter. Criteria: ACMG Guidelines, 2015. Collection method: clinical testing. Allele origin: germline.

NM_001384140.1(PCDH15):c.4203G>T (p.Gln1401His)

Gene: PCDH15 (protocadherin related 15; minus strand). Cytogenetic location: 10q21.1.
Variant type: single nucleotide variant.
Coding change: c.4203G>T on transcript NM_001384140.1 (MANE Select); coding-DNA position 4203, G replaced by T.
Protein change: p.Gln1401His; replaces glutamine 1401 with histidine.
Molecular consequence: missense variant. On other transcripts: intron variant (3).
Genome position (GRCh38, 1-based): chr10:53,828,573, C>A on the plus strand (G>T on the coding strand, the complement: PCDH15 is on the minus strand). VCF-style: chr10-53828573-C-A. GRCh37 (hg19) VCF-style: chr10-55588333-C-A.
Other names: c.4218G>T, p.Gln1406His (NM_001142763.2, NM_001142771.2); c.4203G>T, p.Gln1401His (NM_001142764.2, NM_001142770.3, NM_001142772.2 and 3 more transcripts); c.3990G>T, p.Gln1330His (NM_001142765.2); c.4137G>T, p.Gln1379His (NM_001142768.2, NM_001354404.2); c.4239G>T, p.Gln1413His (NM_001142769.4); c.4224G>T, p.Gln1408His (NM_001354411.2); c.4137-1025G>T (NM_001142773.2); c.4092-1025G>T (NM_001142767.2); and 1 more; short protein forms Q1330H, Q1408H, Q1401H, Q1379H, Q1406H, Q1413H.
Identifiers: ClinVar variation 2159388 (VCV002159388.5), dbSNP rs757898459, ClinGen allele CA5505421.